The following is an entry in ClinVar:

ClinVar aggregate classification (germline): Uncertain significance. Review status: criteria provided, multiple submitters, no conflicts (2 of 4 stars). 2 submissions from 2 submitters: Uncertain significance (2). Last evaluated 2026-01-08.

Conditions:
Inborn genetic diseases. Identifiers: MedGen C0950123, MeSH D030342.

Allele frequency attached by ClinVar (database versions not stated): gnomAD exomes below 0.00001.
gnomAD v4.1: 2 of 1,606,720 alleles (0.00012%); highest among the groups gnomAD compares: Non-Finnish European, 0.00017%; no homozygotes.

Submissions (2):

Labcorp Genetics (formerly Invitae), Labcorp
Classification: Uncertain significance. Last evaluated: 2026-01-08. Review status: criteria provided, single submitter. Criteria: Invitae Variant Classification Sherloc (09022015). Collection method: clinical testing. Allele origin: germline.
Comment: This sequence change replaces asparagine, which is neutral and polar, with serine, which is neutral and polar, at codon 463 of the DLL1 protein (p.Asn463Ser). This variant is present in population databases (no rsID available, gnomAD 0.0009%). This variant has not been reported in the literature in individuals affected with DLL1-related conditions. ClinVar contains an entry for this variant (Variation ID: 2773090). An algorithm developed to predict the effect of missense changes on protein structure and function (PolyPhen-2) suggests that this variant is likely to be tolerated. In summary, the available evidence is currently insufficient to determine the role of this variant in disease. Therefore, it has been classified as a Variant of Uncertain Significance.

Ambry Genetics
Classification: Uncertain significance for Inborn genetic diseases. Last evaluated: 2025-10-15. Review status: criteria provided, single submitter. Criteria: Ambry Variant Classification Scheme 2023. Collection method: clinical testing. Allele origin: germline.

NM_005618.4(DLL1):c.1388A>G (p.Asn463Ser)

Gene: DLL1 (delta like canonical Notch ligand 1; minus strand). Cytogenetic location: 6q27.
Variant type: single nucleotide variant.
Coding change: c.1388A>G on transcript NM_005618.4 (MANE Select); coding-DNA position 1388, A replaced by G.
Protein change: p.Asn463Ser; replaces asparagine 463 with serine.
Molecular consequence: missense variant.
Genome position (GRCh38, 1-based): chr6:170,283,891, T>C on the plus strand (A>G on the coding strand, the complement: DLL1 is on the minus strand). VCF-style: chr6-170283891-T-C. GRCh37 (hg19) VCF-style: chr6-170592979-T-C.
Other names: c.1388A>G (NM_005618.3); short protein forms N463S.
Identifiers: ClinVar variation 2773090 (VCV002773090.4), dbSNP rs1330856023, ClinGen allele CA366507380.
Genomic context (GRCh38, chr6:170,283,891, plus strand): 5'-CTGACGGGGGCACTGCAGTTCCTGCCCGTGTAGCCAGGCGGGCAGGTGCAGGAGAAGTCG[T>C]TCACGCCATCCCGGCAGGTGCCCCCGTTGGCGCACGGGGAGGAGGCGCAGTCGTCCACGT-3'
Protein context (NP_005609.3, residues 453-473): ANGGTCRDGV[Asn463Ser]DFSCTCPPGY